The following is an entry in ClinVar:

ClinVar aggregate classification (germline): Uncertain significance (1 of 4 stars; one submission).

Conditions:
Hypertrophic cardiomyopathy 26. Also called: Cardiomyopathy, familial hypertrophic, 26. Identifiers: Orphanet 75249, MedGen C4310749, MONDO:0014883, OMIM 617047.
Myofibrillar myopathy 5. Also called: Filaminopathy (type); FILAMINOPATHY, AUTOSOMAL DOMINANT. Identifiers: Orphanet 171445, MedGen C1836050, MONDO:0012289, OMIM 609524.
Distal myopathy with posterior leg and anterior hand involvement. Also called: WILLIAMS DISTAL MYOPATHY. Identifiers: Orphanet 63273, MedGen C3279722, MONDO:0013550, OMIM 614065.

Submission:

Labcorp Genetics (formerly Invitae), Labcorp
Classification: Uncertain significance for Distal myopathy with posterior leg and anterior hand involvement; Myofibrillar myopathy 5; Hypertrophic cardiomyopathy 26. Last evaluated: 2026-01-11. Review status: criteria provided, single submitter. Criteria: Invitae Variant Classification Sherloc (09022015). Collection method: clinical testing. Allele origin: germline.
Comment: This sequence change replaces cysteine, which is neutral and slightly polar, with tryptophan, which is neutral and slightly polar, at codon 712 of the FLNC protein (p.Cys712Trp). This variant is present in population databases (no rsID available, gnomAD 0.0009%). This variant has not been reported in the literature in individuals affected with FLNC-related conditions. Invitae Evidence Modeling of protein sequence and biophysical properties (such as structural, functional, and spatial information, amino acid conservation, physicochemical variation, residue mobility, and thermodynamic stability) has been performed for this missense variant. However, the output from this modeling did not meet the statistical confidence thresholds required to predict the impact of this variant on FLNC protein function. In summary, the available evidence is currently insufficient to determine the role of this variant in disease. Therefore, it has been classified as a Variant of Uncertain Significance.

NM_001458.5(FLNC):c.2136T>G (p.Cys712Trp)

Genes: FLNC (filamin C; plus strand), LOC129999273 (ATAC-STARR-seq lymphoblastoid silent region 18616; plus strand). Cytogenetic location: 7q32.1.
Variant type: single nucleotide variant.
Coding change: c.2136T>G on transcript NM_001458.5 (MANE Select); coding-DNA position 2136, T replaced by G.
Protein change: p.Cys712Trp; replaces cysteine 712 with tryptophan.
Molecular consequence: missense variant.
Genome position (GRCh38, 1-based): chr7:128,842,245, T>G. VCF-style: chr7-128842245-T-G. GRCh37 (hg19) VCF-style: chr7-128482299-T-G.
Other names: c.2136T>G, p.Cys712Trp (NM_001127487.2); short protein forms C712W.
Identifiers: ClinVar variation 4812686 (VCV004812686.1).